The following is an entry in ClinVar:

ClinVar aggregate classification (germline): Uncertain significance. Review status: criteria provided, multiple submitters, no conflicts (2 of 4 stars). 2 submissions from 2 submitters: Uncertain significance (2). Last evaluated 2025-08-20.

Conditions:
Inborn genetic diseases. Identifiers: MedGen C0950123, MeSH D030342.

Allele frequency attached by ClinVar (database versions not stated): gnomAD exomes 0.00001 and below 0.00001; gnomAD 0.00002 and 0.00003; TOPMed 0.00002.

Submissions (2):

Ambry Genetics
Classification: Uncertain significance for Inborn genetic diseases. Last evaluated: 2025-08-20. Review status: criteria provided, single submitter. Criteria: Ambry Variant Classification Scheme 2023. Collection method: clinical testing. Allele origin: germline.

Labcorp Genetics (formerly Invitae), Labcorp
Classification: Uncertain significance. Last evaluated: 2021-08-28. Review status: criteria provided, single submitter. Criteria: Invitae Variant Classification Sherloc (09022015). Collection method: clinical testing. Allele origin: germline.
Comment: This sequence change replaces glutamine with proline at codon 577 of the HPS5 protein (p.Gln577Pro). The glutamine residue is weakly conserved and there is a moderate physicochemical difference between glutamine and proline. This variant is not present in population databases (ExAC no frequency). This variant has not been reported in the literature in individuals affected with HPS5-related conditions. Algorithms developed to predict the effect of missense changes on protein structure and function output the following: SIFT: "Tolerated"; PolyPhen-2: "Benign"; Align-GVGD: "Class C0". The proline amino acid residue is found in multiple mammalian species, which suggests that this missense change does not adversely affect protein function. In summary, the available evidence is currently insufficient to determine the role of this variant in disease. Therefore, it has been classified as a Variant of Uncertain Significance.

NM_181507.2(HPS5):c.1730A>C (p.Gln577Pro)

Gene: HPS5 (HPS5 biogenesis of lysosomal organelles complex 2 subunit 2; minus strand). Cytogenetic location: 11p15.1.
Variant type: single nucleotide variant.
Coding change: c.1730A>C on transcript NM_181507.2 (MANE Select); coding-DNA position 1730, A replaced by C.
Protein change: p.Gln577Pro; replaces glutamine 577 with proline.
Molecular consequence: missense variant.
Genome position (GRCh38, 1-based): chr11:18,295,074, T>G on the plus strand (A>C on the coding strand, the complement: HPS5 is on the minus strand). VCF-style: chr11-18295074-T-G. GRCh37 (hg19) VCF-style: chr11-18316621-T-G.
Other names: c.1388A>C, p.Gln463Pro (NM_007216.4, NM_181508.2); short protein forms Q463P, Q577P.
Identifiers: ClinVar variation 1355999 (VCV001355999.6), dbSNP rs955800508, ClinGen allele CA218540886.
Genomic context (GRCh38, chr11:18,295,074, plus strand): 5'-GCTTACTCAGTGTCTTCCTCCTTTGGGCAGGTATCTGAACTCACATCCTCTTCACATGAT[T>G]GCTCATCACCCCTGAGCTCTGGTCTCACTTTCAGATCAGGGCTCGTGTGAAGGGTGCCAA-3'
Protein context (NP_852608.1, residues 567-587): KVRPELRGDE[Gln577Pro]SCEEDVSSDT